The following is an entry in ClinVar:

ClinVar aggregate classification (germline): Uncertain significance (1 of 4 stars; one submission).

Conditions:
Hereditary diffuse gastric adenocarcinoma (HDGC). Also called: DIFFUSE GASTRIC AND LOBULAR BREAST CANCER SYNDROME. Identifiers: Orphanet 26106, MedGen C1708349, MONDO:0007648, OMIM 137215.

Allele frequency attached by ClinVar (database versions not stated): gnomAD exomes below 0.00001.
gnomAD v4.1: 1 of 1,614,154 alleles (0.000062%); highest among the groups gnomAD compares: South Asian, 0.0011%; no homozygotes.

Submission:

Labcorp Genetics (formerly Invitae), Labcorp
Classification: Uncertain significance for Hereditary diffuse gastric adenocarcinoma. Last evaluated: 2020-10-05. Review status: criteria provided, single submitter. Criteria: Invitae Variant Classification Sherloc (09022015). Collection method: clinical testing. Allele origin: germline.
Comment: In summary, the available evidence is currently insufficient to determine the role of this variant in disease. Therefore, it has been classified as a Variant of Uncertain Significance. Algorithms developed to predict the effect of missense changes on protein structure and function (SIFT, PolyPhen-2, Align-GVGD) all suggest that this variant is likely to be tolerated, but these predictions have not been confirmed by published functional studies and their clinical significance is uncertain. This variant has not been reported in the literature in individuals with CDH1-related conditions. This variant is not present in population databases (ExAC no frequency). This sequence change replaces asparagine with threonine at codon 315 of the CDH1 protein (p.Asn315Thr). The asparagine residue is moderately conserved and there is a small physicochemical difference between asparagine and threonine.

NM_004360.5(CDH1):c.944A>C (p.Asn315Thr)

Gene: CDH1 (cadherin 1; plus strand). Cytogenetic location: 16q22.1.
Variant type: single nucleotide variant.
Coding change: c.944A>C on transcript NM_004360.5 (MANE Select); coding-DNA position 944, A replaced by C.
Protein change: p.Asn315Thr; replaces asparagine 315 with threonine.
Molecular consequence: missense variant. On other transcripts: 5 prime UTR variant (2).
Genome position (GRCh38, 1-based): chr16:68,811,795, A>C. VCF-style: chr16-68811795-A-C. GRCh37 (hg19) VCF-style: chr16-68845698-A-C.
Other names: c.944A>C, p.Asn315Thr (NM_001317184.2); c.-672A>C (NM_001317185.2); c.-876A>C (NM_001317186.2); short protein forms N315T.
Identifiers: ClinVar variation 1041713 (VCV001041713.9), dbSNP rs1960840611, ClinGen allele CA396459772.